The following is an entry in ClinVar:

NM_006885.4(ZFHX3):c.6078C>T (p.Tyr2026=)

Genes: ZFHX3 (zinc finger homeobox 3; minus strand), ZFHX3-AS1 (ZFHX3 antisense RNA 1; plus strand). Cytogenetic location: 16q22.2.
Variant type: single nucleotide variant.
Coding change: c.6078C>T on transcript NM_006885.4 (MANE Select); coding-DNA position 6078, C replaced by T.
Protein change: p.Tyr2026=; no amino-acid change (tyrosine 2026 retained).
Molecular consequence: synonymous variant.
Genome position (GRCh38, 1-based): chr16:72,796,604, G>A on the plus strand (C>T on the coding strand, the complement: ZFHX3 is on the minus strand). VCF-style: chr16-72796604-G-A. GRCh37 (hg19) VCF-style: chr16-72830503-G-A.
Other names: c.3336C>T, p.Tyr1112= (NM_001164766.2); c.6078C>T, p.Tyr2026= (NM_001386735.1).
Identifiers: ClinVar variation 3039621 (VCV003039621.2), dbSNP rs780736697, ClinGen allele CA8163485.

ClinVar aggregate classification (germline): Likely benign (0 of 4 stars; one submission).

Conditions:
ZFHX3-related disorder. Also called: ZFHX3-related condition.

Allele frequency attached by ClinVar (database versions not stated): gnomAD 0.00001; gnomAD exomes 0.00002; ExAC 0.00004.
gnomAD v4.1: 35 of 1,613,908 alleles (0.0022%); highest among the groups gnomAD compares: Middle Eastern, 0.016%; no homozygotes.

Submission:

PreventionGenetics, part of Exact Sciences
Classification: Likely benign for ZFHX3-related condition. Last evaluated: 2019-05-24. Review status: no assertion criteria provided. Collection method: clinical testing. Allele origin: germline.
Comment: This variant is classified as likely benign based on ACMG/AMP sequence variant interpretation guidelines (Richards et al. 2015 PMID: 25741868, with internal and published modifications).